The following is an entry in ClinVar:

ClinVar aggregate classification (germline): Conflicting classifications of pathogenicity. Review status: criteria provided, conflicting classifications (1 of 4 stars). 7 submissions from 7 submitters: Uncertain significance (6); Likely benign (1). Last evaluated 2026-03-18.

Conditions:
Ehlers-Danlos syndrome, classic type, 1 (EDSCL1). Also called: Ehlers-Danlos syndrome, type 1; EHLERS-DANLOS SYNDROME, GRAVIS TYPE; EHLERS-DANLOS SYNDROME, SEVERE CLASSIC TYPE; Ehlers-Danlos Syndrome, Classic Type, COL5A1-Related; EDS I. Identifiers: MedGen C0268335, MONDO:0019567, OMIM 130000.
Familial thoracic aortic aneurysm and aortic dissection (TAAD). Also called: Thoracic aortic aneurysms and dissections. Identifiers: Orphanet 91387, MedGen C4707243, MONDO:0019625.
Ehlers-Danlos syndrome, classic type, 2 (EDSCL2). Also called: Ehlers-Danlos syndrome, type 2; Ehlers-Danlos syndrome type 2 (formerly); Ehlers-Danlos Syndrome, Classic Type, COL5A2-Related. Identifiers: Orphanet 287, Orphanet 90318, MedGen C0268336, MONDO:0019568, OMIM 130010.

Allele frequency attached by ClinVar (database versions not stated): gnomAD 0.00001; gnomAD exomes 0.00001 and 0.00002; ExAC 0.00002; TOPMed 0.00002.

Submissions (7):

Women's Health and Genetics/Laboratory Corporation of America, LabCorp
Classification: Uncertain significance. Last evaluated: 2026-03-18. Review status: criteria provided, single submitter. Criteria: LabCorp Variant Classification Summary - May 2015. Collection method: clinical testing. Allele origin: germline.
Comment: Variant summary: COL5A2 c.388C>T (p.Arg130Cys) results in a non-conservative amino acid change in the encoded protein sequence. Algorithms developed to predict the effect of missense changes on protein structure and function all suggest that this variant is likely to be disruptive. The variant allele was found at a frequency of 2.4e-05 in 1612908 control chromosomes. This frequency is not significantly higher than estimated for disease-causing variants in COL5A2, allowing no conclusion about variant significance. To our knowledge, no occurrence of c.388C>T in individuals affected with COL5A2-related conditions and no experimental evidence demonstrating its impact on protein function have been reported. ClinVar contains an entry for this variant (Variation ID: 421327). Based on the evidence outlined above, the variant was classified as uncertain significance.

Labcorp Genetics (formerly Invitae), Labcorp
Classification: Likely benign for Ehlers-Danlos syndrome, classic type, 1. Last evaluated: 2025-12-03. Review status: criteria provided, single submitter. Criteria: Invitae Variant Classification Sherloc (09022015). Collection method: clinical testing. Allele origin: germline.

Ambry Genetics
Classification: Uncertain significance for Familial thoracic aortic aneurysm and aortic dissection. Last evaluated: 2024-07-22. Review status: criteria provided, single submitter. Criteria: Ambry Variant Classification Scheme 2023. Collection method: clinical testing. Allele origin: germline.
Comment: The p.R130C variant (also known as c.388C>T), located in coding exon 5 of the COL5A2 gene, results from a C to T substitution at nucleotide position 388. The arginine at codon 130 is replaced by cysteine, an amino acid with highly dissimilar properties. This amino acid position is highly conserved in available vertebrate species. In addition, this alteration is predicted to be deleterious by in silico analysis. Since supporting evidence is limited at this time, the clinical significance of this alteration remains unclear.

GeneDx
Classification: Uncertain significance. Last evaluated: 2023-06-08. Review status: criteria provided, single submitter. Criteria: GeneDx Variant Classification Process June 2021. Collection method: clinical testing. Allele origin: germline. Affected: yes.
Comment: Not observed at significant frequency in large population cohorts (gnomAD); In silico analysis supports that this missense variant does not alter protein structure/function; Has not been previously published as pathogenic or benign to our knowledge

Fulgent Genetics
Classification: Uncertain significance for Ehlers-Danlos syndrome, classic type, 2. Last evaluated: 2021-11-08. Review status: criteria provided, single submitter. Criteria: ACMG Guidelines, 2015. Collection method: clinical testing. Allele origin: unknown.

Blueprint Genetics
Classification: Uncertain significance. Last evaluated: 2019-09-04. Review status: criteria provided, single submitter. Criteria: ACMG Guidelines, 2015. Collection method: clinical testing. Allele origin: germline.

ARUP Laboratories, Molecular Genetics and Genomics, ARUP Laboratories
Classification: Uncertain significance. Last evaluated: 2017-11-10. Review status: criteria provided, single submitter. Criteria: ARUP Molecular Germline Variant Investigation Process. Collection method: clinical testing. Allele origin: germline.

NM_000393.5(COL5A2):c.388C>T (p.Arg130Cys)

Gene: COL5A2 (collagen type V alpha 2 chain; minus strand). Cytogenetic location: 2q32.2.
Variant type: single nucleotide variant.
Coding change: c.388C>T on transcript NM_000393.5 (MANE Select); coding-DNA position 388, C replaced by T.
Protein change: p.Arg130Cys; replaces arginine 130 with cysteine.
Molecular consequence: missense variant.
Genome position (GRCh38, 1-based): chr2:189,098,741, G>A on the plus strand (C>T on the coding strand, the complement: COL5A2 is on the minus strand). VCF-style: chr2-189098741-G-A. GRCh37 (hg19) VCF-style: chr2-189963467-G-A.
Other names: short protein forms R130C.
Identifiers: ClinVar variation 421327 (VCV000421327.21), dbSNP rs754170105, ClinGen allele CA2023109.